The following is an entry in ClinVar:

NM_130837.3(OPA1):c.1844_1855del (p.Val615_Gln618del)

Genes: OPA1 (OPA1 mitochondrial dynamin like GTPase; plus strand), LOC126806913 (BRD4-independent group 4 enhancer GRCh37_chr3:193364377-193365576; plus strand). Cytogenetic location: 3q29.
Variant type: Deletion.
Coding change: c.1844_1855del on transcript NM_130837.3 (MANE Select); coding-DNA positions 1844 to 1855, 12 bases deleted (TTGAACAACAGG).
Protein change: p.Val615_Gln618del.
Molecular consequence: inframe deletion. On other transcripts: inframe indel (1).
Genome position (GRCh38, 1-based): chr3:193,647,154-193,647,165, TTGAACAACAGG deleted; deleting any 12 consecutive bases within chr3:193,647,153-193,647,165 gives the same sequence; the c. name uses the placement nearest the transcript's 3' end. VCF-style (leftmost placement, unchanged base first): chr3-193647152-TGTTGAACAACAG-T. GRCh37 (hg19) VCF-style: chr3-193364941-TGTTGAACAACAG-T.
Other names: c.1733_1744del, p.Val578_Gln581del (NM_130834.3); c.1736_1747del, p.Val579_Gln582del (NM_130835.3); c.1790_1801del, p.Val597_Gln600del (NM_130836.3); c.1310_1321del, p.Val437_Gln440del (NM_001354663.2); c.1307_1318del, p.Val436_Gln439del (NM_001354664.2); c.1679_1690delTTGAACAACAGG, p.Val560_Gln563del (NM_015560.2); c.1679_1690del, p.Val560_Gln563del (NM_015560.3); c.1571_1582del, p.Val524_Gln527del (NM_130831.3); and 2 more.
Identifiers: ClinVar variation 5017317 (VCV005017317.1).

ClinVar aggregate classification (germline): Uncertain significance (1 of 4 stars; one submission).

Submission:

GeneDx
Classification: Uncertain significance. Last evaluated: 2026-04-03. Review status: criteria provided, single submitter. Criteria: GeneDx Variant Classification Process June 2021. Collection method: clinical testing. Allele origin: germline.
Comment: Not observed at significant frequency in large population cohorts (gnomAD); In-frame deletion of 4 amino acid(s) in a non-repeat region; In silico analysis supports a deleterious effect on protein structure/function; Has not been previously published as pathogenic or benign to our knowledge